The following is an entry in ClinVar:

NM_152678.3(DENND6A):c.-6C>T

Genes: DENND6A (DENN domain containing 6A; minus strand), LOC129936932 (ATAC-STARR-seq lymphoblastoid silent region 14483; plus strand). Cytogenetic location: 3p14.3.
Variant type: single nucleotide variant.
Coding change: c.-6C>T on transcript NM_152678.3 (MANE Select); 6 bases upstream of the start codon, C replaced by T.
Molecular consequence: 5 prime UTR variant.
Genome position (GRCh38, 1-based): chr3:57,693,024, G>A on the plus strand (C>T on the coding strand, the complement: DENND6A is on the minus strand). VCF-style: chr3-57693024-G-A. GRCh37 (hg19) VCF-style: chr3-57678751-G-A.
Identifiers: ClinVar variation 5038802 (VCV005038802.1).
Genomic context (GRCh38, chr3:57,693,024, plus strand): 5'-CGTCCAACGGCCTTCGAGAGCCGGGCCCCAAGCCCGCAGGGCCCCTCAAAGCCATCGGCC[G>A]CCCCCTGACCGTTCGCGCCGCCTCCACAGCGGACCGCGCCGCAGAGCGCGCTTGCCTCCG-3'

ClinVar aggregate classification (germline): Likely benign (1 of 4 stars; one submission).

gnomAD v4.1: 661 of 1,421,014 alleles (0.047%); highest among the groups gnomAD compares: Non-Finnish European, 0.056%; no homozygotes.

Submission:

CeGaT Center for Human Genetics Tuebingen
Classification: Likely benign. Last evaluated: 2026-07-01. Review status: criteria provided, single submitter. Criteria: CeGaT Center For Human Genetics Tuebingen Variant Classification Criteria Version 2. Collection method: clinical testing. Allele origin: germline. Affected: yes. Observed: 1 variant allele.
Comment: DENND6A: BP4